The following is an entry in ClinVar:

ClinVar aggregate classification (germline): Uncertain significance (1 of 4 stars; one submission).

gnomAD v4.1: 1 of 1,614,072 alleles (0.000062%); highest among the groups gnomAD compares: South Asian, 0.0011%; no homozygotes.

Submission:

Ambry Genetics
Classification: Uncertain significance. Last evaluated: 2024-09-26. Review status: criteria provided, single submitter. Criteria: Ambry Variant Classification Scheme 2023. Collection method: clinical testing. Allele origin: germline.
Comment: The p.V30L variant (also known as c.88G>C), located in coding exon 2 of the RAD54L gene, results from a G to C substitution at nucleotide position 88. The valine at codon 30 is replaced by leucine, an amino acid with highly similar properties. This amino acid position is conserved. In addition, this alteration is predicted to be tolerated by in silico analysis. Based on the available evidence, the clinical significance of this variant remains unclear.

NM_003579.4(RAD54L):c.88G>C (p.Val30Leu)

Gene: RAD54L (RAD54 like; plus strand). Cytogenetic location: 1p34.1.
Variant type: single nucleotide variant.
Coding change: c.88G>C on transcript NM_003579.4 (MANE Select); coding-DNA position 88, G replaced by C.
Protein change: p.Val30Leu; replaces valine 30 with leucine.
Molecular consequence: missense variant. On other transcripts: 5 prime UTR variant (1).
Genome position (GRCh38, 1-based): chr1:46,248,596, G>C. VCF-style: chr1-46248596-G-C. GRCh37 (hg19) VCF-style: chr1-46714268-G-C.
Other names: c.88G>C, p.Val30Leu (NM_001142548.2); c.-453G>C (NM_001370766.1); short protein forms V30L.
Identifiers: ClinVar variation 3429818 (VCV003429818.1).